The following is an entry in ClinVar:

ClinVar aggregate classification (germline): Uncertain significance. Review status: criteria provided, multiple submitters, no conflicts (2 of 4 stars). 3 submissions from 3 submitters: Uncertain significance (2). 1 of the submissions does not count toward it. Last evaluated 2025-06-18.

Conditions:
PLXNA2-related disorder. Also called: PLXNA2-related condition.

Allele frequency attached by ClinVar (database versions not stated): ExAC 0.00006; gnomAD exomes 0.00006 and 0.00008; ESP Exome Variant Server 0.00008; 1000 Genomes Project 0.00040; 1000 Genomes Project 30x 0.00062.
gnomAD v4.1: 134 of 1,611,620 alleles (0.0083%); highest among the groups gnomAD compares: Middle Eastern, 0.05%; no homozygotes.

Submissions (3):

Ambry Genetics
Classification: Uncertain significance. Last evaluated: 2025-06-18. Review status: criteria provided, single submitter. Criteria: Ambry Variant Classification Scheme 2023. Collection method: clinical testing. Allele origin: germline.

Labcorp Genetics (formerly Invitae), Labcorp
Classification: Uncertain significance. Last evaluated: 2023-07-17. Review status: criteria provided, single submitter. Criteria: Invitae Variant Classification Sherloc (09022015). Collection method: clinical testing. Allele origin: germline.
Comment: This variant is present in population databases (rs140488835, gnomAD 0.01%). In summary, the available evidence is currently insufficient to determine the role of this variant in disease. Therefore, it has been classified as a Variant of Uncertain Significance. Advanced modeling of protein sequence and biophysical properties (such as structural, functional, and spatial information, amino acid conservation, physicochemical variation, residue mobility, and thermodynamic stability) performed at Invitae indicates that this missense variant is not expected to disrupt PLXNA2 protein function. ClinVar contains an entry for this variant (Variation ID: 1449251). This variant has not been reported in the literature in individuals affected with PLXNA2-related conditions. This sequence change replaces threonine, which is neutral and polar, with asparagine, which is neutral and polar, at codon 950 of the PLXNA2 protein (p.Thr950Asn).

PreventionGenetics, part of Exact Sciences
Classification: Uncertain significance for PLXNA2-related condition. Last evaluated: 2023-12-20. Review status: no assertion criteria provided. Collection method: clinical testing. Allele origin: germline. Not counted in ClinVar's aggregate classification.
Comment: The PLXNA2 c.2849C>A variant is predicted to result in the amino acid substitution p.Thr950Asn. To our knowledge, this variant has not been reported in the literature. This variant is reported in 0.012% of alleles in individuals of African descent in gnomAD. At this time, the clinical significance of this variant is uncertain due to the absence of conclusive functional and genetic evidence.

NM_025179.4(PLXNA2):c.2849C>A (p.Thr950Asn)

Gene: PLXNA2 (plexin A2; minus strand). Cytogenetic location: 1q32.2.
Variant type: single nucleotide variant.
Coding change: c.2849C>A on transcript NM_025179.4 (MANE Select); coding-DNA position 2849, C replaced by A.
Protein change: p.Thr950Asn; replaces threonine 950 with asparagine.
Molecular consequence: missense variant.
Genome position (GRCh38, 1-based): chr1:208,054,428, G>T on the plus strand (C>A on the coding strand, the complement: PLXNA2 is on the minus strand). VCF-style: chr1-208054428-G-T. GRCh37 (hg19) VCF-style: chr1-208227773-G-T.
Other names: c.2849C>A (NM_025179.3); short protein forms T950N.
Identifiers: ClinVar variation 1449251 (VCV001449251.12), dbSNP rs140488835, ClinGen allele CA1373387.